The following is an entry in ClinVar:

ClinVar aggregate classification (germline): Uncertain significance. Review status: criteria provided, multiple submitters, no conflicts (2 of 4 stars). 2 submissions from 2 submitters: Uncertain significance (2). Last evaluated 2025-04-04.

Allele frequency attached by ClinVar (database versions not stated): gnomAD exomes 0.00001; ExAC 0.00002; ESP Exome Variant Server 0.00015.
gnomAD v4.1: 7 of 1,613,996 alleles (0.00043%); highest among the groups gnomAD compares: Non-Finnish European, 0.00059%; no homozygotes.

Submissions (2):

Ambry Genetics
Classification: Uncertain significance. Last evaluated: 2025-04-04. Review status: criteria provided, single submitter. Criteria: Ambry Variant Classification Scheme 2023. Collection method: clinical testing. Allele origin: germline.

Labcorp Genetics (formerly Invitae), Labcorp
Classification: Uncertain significance. Last evaluated: 2022-04-21. Review status: criteria provided, single submitter. Criteria: Invitae Variant Classification Sherloc (09022015). Collection method: clinical testing. Allele origin: germline.
Comment: Algorithms developed to predict the effect of missense changes on protein structure and function are either unavailable or do not agree on the potential impact of this missense change (SIFT: "Tolerated"; PolyPhen-2: "Probably Damaging"; Align-GVGD: "Class C0"). In summary, the available evidence is currently insufficient to determine the role of this variant in disease. Therefore, it has been classified as a Variant of Uncertain Significance. This variant has not been reported in the literature in individuals affected with AGAP1-related conditions. This variant is present in population databases (rs146040215, gnomAD 0.003%). This sequence change replaces lysine, which is basic and polar, with glutamine, which is neutral and polar, at codon 430 of the AGAP1 protein (p.Lys430Gln).

NM_001037131.3(AGAP1):c.1288A>C (p.Lys430Gln)

Gene: AGAP1 (ArfGAP with GTPase domain, ankyrin repeat and PH domain 1; plus strand). Cytogenetic location: 2q37.2.
Variant type: single nucleotide variant.
Coding change: c.1288A>C on transcript NM_001037131.3 (MANE Select); coding-DNA position 1288, A replaced by C.
Protein change: p.Lys430Gln; replaces lysine 430 with glutamine.
Molecular consequence: missense variant.
Genome position (GRCh38, 1-based): chr2:235,908,870, A>C. VCF-style: chr2-235908870-A-C. GRCh37 (hg19) VCF-style: chr2-236817514-A-C.
Other names: c.1288A>C, p.Lys430Gln (NM_014914.5); c.1288A>C (NM_001037131.2); short protein forms K430Q.
Identifiers: ClinVar variation 2152594 (VCV002152594.5), dbSNP rs146040215, ClinGen allele CA2184791.